The following is an entry in ClinVar:

NM_000152.5(GAA):c.2474C>T (p.Pro825Leu)

Gene: GAA (alpha glucosidase; plus strand). Cytogenetic location: 17q25.3.
Variant type: single nucleotide variant.
Coding change: c.2474C>T on transcript NM_000152.5 (MANE Select); coding-DNA position 2474, C replaced by T.
Protein change: p.Pro825Leu; replaces proline 825 with leucine.
Molecular consequence: missense variant.
Genome position (GRCh38, 1-based): chr17:80,117,742, C>T. VCF-style: chr17-80117742-C-T. GRCh37 (hg19) VCF-style: chr17-78091541-C-T.
Other names: c.2474C>T, p.Pro825Leu (NM_001079803.3, NM_001079804.3); short protein forms P825L.
Identifiers: ClinVar variation 1398691 (VCV001398691.8), dbSNP rs886042703, ClinGen allele CA401325535.

ClinVar aggregate classification (germline): Uncertain significance (1 of 4 stars; one submission).

Conditions:
Glycogen storage disease, type II (IOPD). Also called: Glucosidase acid-1,4-alpha deficiency; Pompe Disease; GLYCOGENOSIS, GENERALIZED, CARDIAC FORM; GSD II; POMPE DISEASE, INFANTILE-ONSET; GLYCOGEN STORAGE DISEASE II, INFANTILE-ONSET. Identifiers: Orphanet 365, MedGen C0017921, MONDO:0009290, OMIM 232300.

Submission:

Labcorp Genetics (formerly Invitae), Labcorp
Classification: Uncertain significance for Glycogen storage disease, type II. Last evaluated: 2023-04-29. Review status: criteria provided, single submitter. Criteria: Invitae Variant Classification Sherloc (09022015). Collection method: clinical testing. Allele origin: germline.
Comment: This variant is not present in population databases (gnomAD no frequency). In summary, the available evidence is currently insufficient to determine the role of this variant in disease. Therefore, it has been classified as a Variant of Uncertain Significance. Advanced modeling of protein sequence and biophysical properties (such as structural, functional, and spatial information, amino acid conservation, physicochemical variation, residue mobility, and thermodynamic stability) performed at Invitae indicates that this missense variant is expected to disrupt GAA protein function. ClinVar contains an entry for this variant (Variation ID: 1398691). This variant has not been reported in the literature in individuals affected with GAA-related conditions. This sequence change replaces proline, which is neutral and non-polar, with leucine, which is neutral and non-polar, at codon 825 of the GAA protein (p.Pro825Leu).